The following is an entry in ClinVar:

ClinVar aggregate classification (germline): Uncertain significance (1 of 4 stars; one submission).

Allele frequency attached by ClinVar (database versions not stated): TOPMed below 0.00001.
gnomAD v4.1: 10 of 1,614,268 alleles (0.00062%); highest among the groups gnomAD compares: Middle Eastern, 0.033%; no homozygotes.

Submission:

Labcorp Genetics (formerly Invitae), Labcorp
Classification: Uncertain significance. Last evaluated: 2025-12-01. Review status: criteria provided, single submitter. Criteria: Invitae Variant Classification Sherloc (09022015). Collection method: clinical testing. Allele origin: germline.
Comment: This sequence change replaces serine, which is neutral and polar, with arginine, which is basic and polar, at codon 730 of the KCNQ5 protein (p.Ser730Arg). This variant is present in population databases (no rsID available, gnomAD no frequency). This variant has not been reported in the literature in individuals affected with KCNQ5-related conditions. ClinVar contains an entry for this variant (Variation ID: 1361885). Invitae Evidence Modeling of protein sequence and biophysical properties (such as structural, functional, and spatial information, amino acid conservation, physicochemical variation, residue mobility, and thermodynamic stability) indicates that this missense variant is not expected to disrupt KCNQ5 protein function with a negative predictive value of 95%. In summary, the available evidence is currently insufficient to determine the role of this variant in disease. Therefore, it has been classified as a Variant of Uncertain Significance.

NM_019842.4(KCNQ5):c.2131A>C (p.Ser711Arg)

Gene: KCNQ5 (potassium voltage-gated channel subfamily Q member 5; plus strand). Cytogenetic location: 6q13.
Variant type: single nucleotide variant.
Coding change: c.2131A>C on transcript NM_019842.4 (MANE Select); coding-DNA position 2131, A replaced by C.
Protein change: p.Ser711Arg; replaces serine 711 with arginine.
Molecular consequence: missense variant.
Genome position (GRCh38, 1-based): chr6:73,194,746, A>C. VCF-style: chr6-73194746-A-C. GRCh37 (hg19) VCF-style: chr6-73904469-A-C.
Other names: c.2104A>C, p.Ser702Arg (NM_001160130.2); c.2161A>C, p.Ser721Arg (NM_001160132.2); c.2188A>C, p.Ser730Arg (NM_001160133.2); c.1801A>C, p.Ser601Arg (NM_001160134.2); short protein forms S711R, S721R, S601R, S730R, S702R.
Identifiers: ClinVar variation 1361885 (VCV001361885.6), dbSNP rs766992339, ClinGen allele CA364695311.
Genomic context (GRCh38, chr6:73,194,746, plus strand): 5'-ATTCTGACGCCAAATGAGTTCAGTGCCCAGACTTTCTACGCGCTTAGCCCTACTATGCAC[A>C]GTCAAGCAACACAGGTGCCAATTAGTCAAAGCGATGGCTCAGCAGTGGCAGCCACCAACA-3'
Protein context (NP_062816.2, residues 701-721): TFYALSPTMH[Ser711Arg]QATQVPISQS